The following is an entry in ClinVar:

NM_002386.4(MC1R):c.815C>T (p.Thr272Met)

Gene: MC1R (melanocortin 1 receptor; plus strand). Cytogenetic location: 16q24.3.
Variant type: single nucleotide variant.
Coding change: c.815C>T on transcript NM_002386.4 (MANE Select); coding-DNA position 815, C replaced by T.
Protein change: p.Thr272Met; replaces threonine 272 with methionine.
Molecular consequence: missense variant.
Genome position (GRCh38, 1-based): chr16:89,920,073, C>T. VCF-style: chr16-89920073-C-T. GRCh37 (hg19) VCF-style: chr16-89986481-C-T.
Other names: short protein forms T272M.
Identifiers: ClinVar variation 841072 (VCV000841072.13), dbSNP rs12102534, ClinGen allele CA8255760.

ClinVar aggregate classification (germline): Conflicting classifications of pathogenicity. Review status: criteria provided, conflicting classifications (1 of 4 stars). 3 submissions from 3 submitters: Uncertain significance (2); Likely benign (1). Last evaluated 2024-12-10.

Conditions:
Melanoma, cutaneous malignant, susceptibility to, 5. Also called: Cutaneous malignant melanoma 5. Identifiers: Orphanet 618, MedGen C2751295, MONDO:0013133, OMIM 613099.

Allele frequency attached by ClinVar (database versions not stated): TOPMed 0.00005.
gnomAD v4.1: 48 of 1,613,750 alleles (0.003%); highest among the groups gnomAD compares: Admixed American, 0.02%; no homozygotes.

Submissions (3):

ARUP Laboratories, Molecular Genetics and Genomics, ARUP Laboratories
Classification: Uncertain significance. Last evaluated: 2024-12-10. Review status: criteria provided, single submitter. Criteria: ARUP Molecular Germline Variant Investigation Process 2024. Collection method: clinical testing. Allele origin: germline.
Comment: The MC1R c.815C>T; p.Thr272Met variant (rs12102534, ClinVar Variation ID: 841072) is reported in the literature in individuals affected with melanoma (Ibarrola-Villava 2014, Pena-Viladelda 2014, Puig-Butille 2013) and in one individual with Parkinson disease (Tell-Marti 2015). This variant is found in the general population with an overall allele frequency of 0.007% (19/280608 alleles) in the Genome Aggregation Database (v2.1.1). Computational analyses are uncertain whether this variant is neutral or deleterious (REVEL: 0.212). Due to limited information, the clinical significance of this variant is uncertain at this time. References: Ibarrola-Villava M et al. Modeling MC1R rare variants: a structural evaluation of variants detected in a Mediterranean case-control study. J Invest Dermatol. 2014 Apr;134(4):1146-1149. PMID: 24335900. Pena-Vilabelda MM et al. Clinical characteristics of patients with cutaneous melanoma according to variants in the melanocortin 1 receptor gene. Actas Dermosifiliogr. 2014 Mar;105(2):159-71. English, Spanish. PMID: 24238329. Puig-ButillÃ© JA et al. Distribution of MC1R variants among melanoma subtypes: p.R163Q is associated with lentigo maligna melanoma in a Mediterranean population. Br J Dermatol. 2013 Oct;169(4):804-11. PMID: 23647022. Tell-Marti G et al. The MC1R melanoma risk variant p.R160W is associated with Parkinson disease. Ann Neurol. 2015 May;77(5):889-94. PMID: 25631192.

Labcorp Genetics (formerly Invitae), Labcorp
Classification: Uncertain significance for Melanoma, cutaneous malignant, susceptibility to, 5. Last evaluated: 2023-09-18. Review status: criteria provided, single submitter. Criteria: Invitae Variant Classification Sherloc (09022015). Collection method: clinical testing. Allele origin: germline.
Comment: In summary, the available evidence is currently insufficient to determine the role of this variant in disease. Therefore, it has been classified as a Variant of Uncertain Significance. Advanced modeling of protein sequence and biophysical properties (such as structural, functional, and spatial information, amino acid conservation, physicochemical variation, residue mobility, and thermodynamic stability) performed at Invitae indicates that this missense variant is not expected to disrupt MC1R protein function. ClinVar contains an entry for this variant (Variation ID: 841072). This missense change has been observed in individual(s) with melanoma (PMID: 23647022, 24335900). This variant is present in population databases (rs12102534, gnomAD 0.03%). This sequence change replaces threonine, which is neutral and polar, with methionine, which is neutral and non-polar, at codon 272 of the MC1R protein (p.Thr272Met).

Illumina Laboratory Services, Illumina
Classification: Likely benign for Melanoma, cutaneous malignant, susceptibility to, 5. Last evaluated: 2017-08-29. Review status: criteria provided, single submitter. Criteria: ICSL Variant Classification Criteria 13 December 2019. Collection method: clinical testing. Allele origin: germline.
Comment: This variant was observed as part of a predisposition screen in an ostensibly healthy population. A literature search was performed for the gene, cDNA change, and amino acid change (where applicable). Publications were found based on this search. The evidence from the literature, in combination with allele frequency data from public databases where available, was sufficient to determine this variant is unlikely to cause disease. Therefore, this variant is classified as likely benign.

Literature cited by the submitters: PubMed 23647022 (cited by Labcorp Genetics (formerly Invitae), Labcorp and Illumina Laboratory Services, Illumina); PubMed 24335900 (cited by Labcorp Genetics (formerly Invitae), Labcorp and Illumina Laboratory Services, Illumina); PubMed 25631192 (cited by Illumina Laboratory Services, Illumina); PubMed 18839200 (cited by Illumina Laboratory Services, Illumina); PubMed 24238329 (cited by Illumina Laboratory Services, Illumina); PubMed 22493355 (cited by Illumina Laboratory Services, Illumina).